The following is an entry in ClinVar:

ClinVar aggregate classification (germline): Uncertain significance. Review status: criteria provided, multiple submitters, no conflicts (2 of 4 stars). 2 submissions from 2 submitters: Uncertain significance (2). Last evaluated 2023-12-30.

Conditions:
Inborn genetic diseases. Identifiers: MedGen C0950123, MeSH D030342.
Aicardi-Goutieres syndrome 4. Identifiers: Orphanet 51, MedGen C1835912, MONDO:0012472, OMIM 610333.

Allele frequency attached by ClinVar (database versions not stated): ESP Exome Variant Server 0.00008; gnomAD exomes 0.00001; ExAC 0.00001; gnomAD 0.00001; TOPMed 0.00004.
gnomAD v4.1: 8 of 1,613,964 alleles (0.0005%); highest among the groups gnomAD compares: Admixed American, 0.0067%; no homozygotes.

Submissions (2):

Ambry Genetics
Classification: Uncertain significance for Inborn genetic diseases. Last evaluated: 2023-12-30. Review status: criteria provided, single submitter. Criteria: Ambry Variant Classification Scheme 2023. Collection method: clinical testing. Allele origin: germline.

Labcorp Genetics (formerly Invitae), Labcorp
Classification: Uncertain significance for Aicardi-Goutieres syndrome 4. Last evaluated: 2021-08-26. Review status: criteria provided, single submitter. Criteria: Invitae Variant Classification Sherloc (09022015). Collection method: clinical testing. Allele origin: germline.
Comment: This sequence change replaces isoleucine with threonine at codon 268 of the RNASEH2A protein (p.Ile268Thr). The isoleucine residue is weakly conserved and there is a moderate physicochemical difference between isoleucine and threonine. This variant is present in population databases (rs369098182, ExAC 0.009%). This variant has not been reported in the literature in individuals affected with RNASEH2A-related conditions. Algorithms developed to predict the effect of missense changes on protein structure and function are either unavailable or do not agree on the potential impact of this missense change (SIFT: "Tolerated"; PolyPhen-2: "Possibly Damaging"; Align-GVGD: "Class C0"). In summary, the available evidence is currently insufficient to determine the role of this variant in disease. Therefore, it has been classified as a Variant of Uncertain Significance.

NM_006397.3(RNASEH2A):c.803T>C (p.Ile268Thr)

Gene: RNASEH2A (ribonuclease H2 subunit A; plus strand). Cytogenetic location: 19p13.13.
Variant type: single nucleotide variant.
Coding change: c.803T>C on transcript NM_006397.3 (MANE Select); coding-DNA position 803, T replaced by C.
Protein change: p.Ile268Thr; replaces isoleucine 268 with threonine.
Molecular consequence: missense variant.
Genome position (GRCh38, 1-based): chr19:12,813,369, T>C. VCF-style: chr19-12813369-T-C. GRCh37 (hg19) VCF-style: chr19-12924183-T-C.
Other names: short protein forms I268T.
Identifiers: ClinVar variation 948510 (VCV000948510.7), dbSNP rs369098182, ClinGen allele CA9232049.
Genomic context (GRCh38, chr19:12,813,369, plus strand): 5'-CATCACCTCTCTCCCACAGGGAGGACTCAGCATCCGAGAATCAGGAGGGACTCAGGAAGA[T>C]CACATCCTACTTCCTCAATGAAGGGTCCCAAGCCCGTCCCCGTTCTTCCCACCGATATTT-3'
Protein context (NP_006388.2, residues 258-278): ASENQEGLRK[Ile268Thr]TSYFLNEGSQ